The following is an entry in ClinVar:

NM_003738.5(PTCH2):c.2018G>A (p.Arg673His)

Gene: PTCH2 (patched 2; minus strand). Cytogenetic location: 1p34.1.
Variant type: single nucleotide variant.
Coding change: c.2018G>A on transcript NM_003738.5 (MANE Select); coding-DNA position 2018, G replaced by A.
Protein change: p.Arg673His; replaces arginine 673 with histidine.
Molecular consequence: missense variant.
Genome position (GRCh38, 1-based): chr1:44,827,883, C>T on the plus strand (G>A on the coding strand, the complement: PTCH2 is on the minus strand). VCF-style: chr1-44827883-C-T. GRCh37 (hg19) VCF-style: chr1-45293555-C-T.
Other names: c.2018G>A, p.Arg673His (NM_001166292.2); short protein forms R673H.
Identifiers: ClinVar variation 864345 (VCV000864345.11), dbSNP rs760548568, ClinGen allele CA823130.

ClinVar aggregate classification (germline): Uncertain significance. Review status: criteria provided, multiple submitters, no conflicts (2 of 4 stars). 2 submissions from 2 submitters: Uncertain significance (2). Last evaluated 2023-11-18.

Conditions:
Gorlin syndrome. Also called: Nevoid Basal Cell Carcinoma Syndrome; Basal cell nevus syndrome. Identifiers: Orphanet 377, MedGen C0004779, MONDO:0007187.

Allele frequency attached by ClinVar (database versions not stated): TOPMed 0.00005.
gnomAD v4.1: 60 of 1,614,032 alleles (0.0037%); highest among the groups gnomAD compares: Admixed American, 0.025%; no homozygotes.

Submissions (2):

Labcorp Genetics (formerly Invitae), Labcorp
Classification: Uncertain significance for Gorlin syndrome. Last evaluated: 2023-11-18. Review status: criteria provided, single submitter. Criteria: Invitae Variant Classification Sherloc (09022015). Collection method: clinical testing. Allele origin: germline.
Comment: This sequence change replaces arginine, which is basic and polar, with histidine, which is basic and polar, at codon 673 of the PTCH2 protein (p.Arg673His). This variant is present in population databases (rs760548568, gnomAD 0.004%). This variant has not been reported in the literature in individuals affected with PTCH2-related conditions. ClinVar contains an entry for this variant (Variation ID: 864345). Advanced modeling of protein sequence and biophysical properties (such as structural, functional, and spatial information, amino acid conservation, physicochemical variation, residue mobility, and thermodynamic stability) performed at Invitae indicates that this missense variant is not expected to disrupt PTCH2 protein function with a negative predictive value of 80%. In summary, the available evidence is currently insufficient to determine the role of this variant in disease. Therefore, it has been classified as a Variant of Uncertain Significance.

St. Jude Molecular Pathology, St. Jude Children's Research Hospital
Classification: Uncertain significance for Basal cell nevus syndrome 1. Last evaluated: 2023-04-20. Review status: criteria provided, single submitter. Criteria: St. Jude Assertion Criteria 2020. Collection method: clinical testing. Allele origin: germline.
Comment: The PTCH2 c.2018G>A (p.Arg673His) missense change has a maximum subpopulation frequency of 0.004% in gnomAD v2.1.1. The in silico tool REVEL is inconclusive about a pathogenic or benign effect of this variant on protein function, and to our knowledge functional studies have not been performed. To our knowledge, this variant has not been reported in individuals with nevoid basal cell carcinoma syndrome.  In summary, the evidence currently available is insufficient to determine the clinical significance of this variant. It has therefore been classified as of uncertain significance.